The following is an entry in ClinVar:

NM_001098.3(ACO2):c.1516A>C (p.Lys506Gln)

Gene: ACO2 (aconitase 2; plus strand). Cytogenetic location: 22q13.2.
Variant type: single nucleotide variant.
Coding change: c.1516A>C on transcript NM_001098.3 (MANE Select); coding-DNA position 1516, A replaced by C.
Protein change: p.Lys506Gln; replaces lysine 506 with glutamine.
Molecular consequence: missense variant.
Genome position (GRCh38, 1-based): chr22:41,524,879, A>C. VCF-style: chr22-41524879-A-C. GRCh37 (hg19) VCF-style: chr22-41920883-A-C.
Other names: short protein forms K506Q.
Identifiers: ClinVar variation 4741712 (VCV004741712.1).

ClinVar aggregate classification (germline): Uncertain significance (1 of 4 stars; one submission).

Submission:

Labcorp Genetics (formerly Invitae), Labcorp
Classification: Uncertain significance. Last evaluated: 2025-04-11. Review status: criteria provided, single submitter. Criteria: Invitae Variant Classification Sherloc (09022015). Collection method: clinical testing. Allele origin: germline.
Comment: This sequence change replaces lysine, which is basic and polar, with glutamine, which is neutral and polar, at codon 506 of the ACO2 protein (p.Lys506Gln). This variant is not present in population databases (gnomAD no frequency). This variant has not been reported in the literature in individuals affected with ACO2-related conditions. Invitae Evidence Modeling of protein sequence and biophysical properties (such as structural, functional, and spatial information, amino acid conservation, physicochemical variation, residue mobility, and thermodynamic stability) indicates that this missense variant is not expected to disrupt ACO2 protein function with a negative predictive value of 80%. In summary, the available evidence is currently insufficient to determine the role of this variant in disease. Therefore, it has been classified as a Variant of Uncertain Significance.